The following is an entry in ClinVar:

NM_001933.5(DLST):c.27_28delinsCT (p.Arg10Trp)

Gene: DLST (dihydrolipoamide S-succinyltransferase; plus strand). Cytogenetic location: 14q24.3.
Variant type: Indel.
Coding change: c.27_28delinsCT on transcript NM_001933.5 (MANE Select); coding-DNA positions 27 to 28, TC replaced by CT.
Protein change: p.Arg10Trp; replaces arginine 10 with tryptophan.
Molecular consequence: missense variant. On other transcripts: non-coding transcript variant (2).
Genome position (GRCh38, 1-based): chr14:74,881,980-74,881,981, TC replaced by CT. VCF-style: chr14-74881980-TC-CT. GRCh37 (hg19) VCF-style: chr14-75348683-TC-CT.
Other names: c.27_28delinsCT, p.Arg10Trp (NM_001244883.2); short protein forms R10W.
Identifiers: ClinVar variation 3716484 (VCV003716484.2).

ClinVar aggregate classification (germline): Uncertain significance (1 of 4 stars; one submission).

Submission:

Labcorp Genetics (formerly Invitae), Labcorp
Classification: Uncertain significance. Last evaluated: 2024-12-24. Review status: criteria provided, single submitter. Criteria: Invitae Variant Classification Sherloc (09022015). Collection method: clinical testing. Allele origin: germline.
Comment: This sequence change replaces arginine, which is basic and polar, with tryptophan, which is neutral and slightly polar, at codon 10 of the DLST protein (p.Arg10Trp). Information on the frequency of this variant in the gnomAD database is not available, as this variant may be reported differently in the database. This variant has not been reported in the literature in individuals affected with DLST-related conditions. Experimental studies and prediction algorithms are not available or were not evaluated, and the functional significance of this variant is currently unknown. In summary, the available evidence is currently insufficient to determine the role of this variant in disease. Therefore, it has been classified as a Variant of Uncertain Significance.